The following is an entry in ClinVar:

ClinVar aggregate classification (germline): Uncertain significance. Review status: criteria provided, multiple submitters, no conflicts (2 of 4 stars). 2 submissions from 2 submitters: Uncertain significance (2). Last evaluated 2025-12-21.

Conditions:
Inborn genetic diseases. Identifiers: MedGen C0950123, MeSH D030342.
Parkinson disease 17 (PARK17). Also called: VPS35-Related Parkinson Disease. Identifiers: Orphanet 411602, MedGen C3280133, MONDO:0013625, OMIM 614203.

Allele frequency attached by ClinVar (database versions not stated): ExAC 0.00001; gnomAD 0.00009; TOPMed 0.00025.
gnomAD v4.1: 24 of 1,613,658 alleles (0.0015%); highest among the groups gnomAD compares: Admixed American, 0.032%; no homozygotes.

Submissions (2):

Labcorp Genetics (formerly Invitae), Labcorp
Classification: Uncertain significance for Parkinson disease 17. Last evaluated: 2025-12-21. Review status: criteria provided, single submitter. Criteria: Invitae Variant Classification Sherloc (09022015). Collection method: clinical testing. Allele origin: germline.
Comment: This sequence change replaces glutamic acid, which is acidic and polar, with alanine, which is neutral and non-polar, at codon 426 of the VPS35 protein (p.Glu426Ala). This variant is present in population databases (rs764924463, gnomAD 0.003%). This variant has not been reported in the literature in individuals affected with VPS35-related conditions. ClinVar contains an entry for this variant (Variation ID: 3004763). Invitae Evidence Modeling of protein sequence and biophysical properties (such as structural, functional, and spatial information, amino acid conservation, physicochemical variation, residue mobility, and thermodynamic stability) indicates that this missense variant is not expected to disrupt VPS35 protein function with a negative predictive value of 80%. In summary, the available evidence is currently insufficient to determine the role of this variant in disease. Therefore, it has been classified as a Variant of Uncertain Significance.

Ambry Genetics
Classification: Uncertain significance for Inborn genetic diseases. Last evaluated: 2024-07-22. Review status: criteria provided, single submitter. Criteria: Ambry Variant Classification Scheme 2023. Collection method: clinical testing. Allele origin: germline.

NM_018206.6(VPS35):c.1277A>C (p.Glu426Ala)

Gene: VPS35 (VPS35 retromer complex component; minus strand). Cytogenetic location: 16q11.2.
Variant type: single nucleotide variant.
Coding change: c.1277A>C on transcript NM_018206.6 (MANE Select); coding-DNA position 1277, A replaced by C.
Protein change: p.Glu426Ala; replaces glutamic acid 426 with alanine.
Molecular consequence: missense variant.
Genome position (GRCh38, 1-based): chr16:46,672,356, T>G on the plus strand (A>C on the coding strand, the complement: VPS35 is on the minus strand). VCF-style: chr16-46672356-T-G. GRCh37 (hg19) VCF-style: chr16-46706268-T-G.
Other names: c.1277A>C (NM_018206.4); short protein forms E426A.
Identifiers: ClinVar variation 3004763 (VCV003004763.4), dbSNP rs764924463, ClinGen allele CA8036859.